The following is an entry in ClinVar:

NM_080605.4(B3GALT6):c.805C>T (p.Arg269Cys)

Gene: B3GALT6 (beta-1,3-galactosyltransferase 6; plus strand). Cytogenetic location: 1p36.33.
Variant type: single nucleotide variant.
Coding change: c.805C>T on transcript NM_080605.4 (MANE Select); coding-DNA position 805, C replaced by T.
Protein change: p.Arg269Cys; replaces arginine 269 with cysteine.
Molecular consequence: missense variant.
Genome position (GRCh38, 1-based): chr1:1,233,083, C>T. VCF-style: chr1-1233083-C-T. GRCh37 (hg19) VCF-style: chr1-1168463-C-T.
Other names: short protein forms R269C.
Identifiers: ClinVar variation 3748277 (VCV003748277.4).

ClinVar aggregate classification (germline): Uncertain significance. Review status: criteria provided, multiple submitters, no conflicts (2 of 4 stars). 2 submissions from 2 submitters: Uncertain significance (2). Last evaluated 2025-04-22.

Conditions:
Spondyloepimetaphyseal dysplasia with joint laxity (SEMDJL). Identifiers: MedGen C0432243, MONDO:0019675.
Ehlers-Danlos syndrome, spondylodysplastic type, 2 (EDSSPD2). Also called: Ehlers-Danlos syndrome, progeroid type, 2. Identifiers: Orphanet 536467, Orphanet 75496, MedGen C3809210, MONDO:0014139, OMIM 615349.

gnomAD v4.1: 16 of 1,557,792 alleles (0.001%); highest among the groups gnomAD compares: Admixed American, 0.0019%; no homozygotes.

Submissions (2):

Women's Health and Genetics/Laboratory Corporation of America, LabCorp
Classification: Uncertain significance. Last evaluated: 2025-04-22. Review status: criteria provided, single submitter. Criteria: LabCorp Variant Classification Summary - May 2015. Collection method: clinical testing. Allele origin: germline.
Comment: Variant summary: B3GALT6 c.805C>T (p.Arg269Cys) results in a non-conservative amino acid change in the encoded protein sequence. Four of five in-silico tools predict a damaging effect of the variant on protein function. The variant allele was found at a frequency of 6.3e-06 in 158976 control chromosomes. The available data on variant occurrences in the general population are insufficient to allow any conclusion about variant significance. To our knowledge, no occurrence of c.805C>T in individuals affected with Spondyloepimetaphyseal dysplasia with joint laxity, type 1, with or without fractures and no experimental evidence demonstrating its impact on protein function have been reported. ClinVar contains an entry for this variant (Variation ID: 3748277). Based on the evidence outlined above, the variant was classified as uncertain significance.

Labcorp Genetics (formerly Invitae), Labcorp
Classification: Uncertain significance for Ehlers-Danlos syndrome, spondylodysplastic type, 2; Spondyloepimetaphyseal dysplasia with joint laxity. Last evaluated: 2024-04-03. Review status: criteria provided, single submitter. Criteria: Invitae Variant Classification Sherloc (09022015). Collection method: clinical testing. Allele origin: germline.
Comment: This sequence change replaces arginine, which is basic and polar, with cysteine, which is neutral and slightly polar, at codon 269 of the B3GALT6 protein (p.Arg269Cys). The frequency data for this variant in the population databases is considered unreliable, as metrics indicate poor data quality at this position in the gnomAD database. This variant has not been reported in the literature in individuals affected with B3GALT6-related conditions. Advanced modeling of protein sequence and biophysical properties (such as structural, functional, and spatial information, amino acid conservation, physicochemical variation, residue mobility, and thermodynamic stability) performed at Invitae indicates that this missense variant is expected to disrupt B3GALT6 protein function with a positive predictive value of 80%. In summary, the available evidence is currently insufficient to determine the role of this variant in disease. Therefore, it has been classified as a Variant of Uncertain Significance.